The following is an entry in ClinVar:

NM_001611.5(ACP5):c.973C>T (p.Pro325Ser)

Gene: ACP5 (acid phosphatase 5, tartrate resistant; minus strand). Cytogenetic location: 19p13.2.
Variant type: single nucleotide variant.
Coding change: c.973C>T on transcript NM_001611.5 (MANE Select); coding-DNA position 973, C replaced by T.
Protein change: p.Pro325Ser; replaces proline 325 with serine.
Molecular consequence: missense variant.
Genome position (GRCh38, 1-based): chr19:11,575,015, G>A on the plus strand (C>T on the coding strand, the complement: ACP5 is on the minus strand). VCF-style: chr19-11575015-G-A. GRCh37 (hg19) VCF-style: chr19-11685830-G-A.
Other names: c.973C>T (NM_001111035.1); c.973C>T, p.Pro325Ser (NM_001111034.3, NM_001111035.3, NM_001111036.3 and 1 more transcripts); short protein forms P325S.
Identifiers: ClinVar variation 1403194 (VCV001403194.5), dbSNP rs1024960552, ClinGen allele CA305358446.

ClinVar aggregate classification (germline): Uncertain significance. Review status: criteria provided, multiple submitters, no conflicts (2 of 4 stars). 3 submissions from 3 submitters: Uncertain significance (3). Last evaluated 2025-10-14.

Conditions:
Spondyloenchondrodysplasia with immune dysregulation (SPENCDI). Also called: ROIFMAN IMMUNOSKELETAL SYNDROME; SPONDYLOENCHONDRODYSPLASIA WITH OR WITHOUT IMMUNE DYSREGULATION; COMBINED IMMUNODEFICIENCY WITH AUTOIMMUNITY AND SPONDYLOMETAPHYSEAL DYSPLASIA. Identifiers: Orphanet 1855, MedGen C1842763, MONDO:0011939, OMIM 607944.
Inborn genetic diseases. Identifiers: MedGen C0950123, MeSH D030342.

Allele frequency attached by ClinVar (database versions not stated): gnomAD exomes below 0.00001; gnomAD 0.00003 and 0.00004; TOPMed 0.00003.
gnomAD v4.1: 39 of 1,614,054 alleles (0.0024%); highest among the groups gnomAD compares: Non-Finnish European, 0.0031%; no homozygotes.

Submissions (3):

Women's Health and Genetics/Laboratory Corporation of America, LabCorp
Classification: Uncertain significance. Last evaluated: 2025-10-14. Review status: criteria provided, single submitter. Criteria: LabCorp Variant Classification Summary - May 2015. Collection method: clinical testing. Allele origin: germline.
Comment: Variant summary: ACP5 c.973C>T (p.Pro325Ser) results in a non-conservative amino acid change in the encoded protein sequence. Algorithms developed to predict the effect of missense changes on protein structure and function are either unavailable or do not agree on the potential impact of this missense change. The variant allele was found at a frequency of 4e-06 in 250818 control chromosomes. The available data on variant occurrences in the general population are insufficient to allow any conclusion about variant significance. To our knowledge, no occurrence of c.973C>T in individuals affected with ACP5-related conditions and no experimental evidence demonstrating its impact on protein function have been reported. ClinVar contains an entry for this variant (Variation ID: 1403194). Based on the evidence outlined above, the variant was classified as uncertain significance.

Ambry Genetics
Classification: Uncertain significance for Inborn genetic diseases. Last evaluated: 2024-12-10. Review status: criteria provided, single submitter. Criteria: Ambry Variant Classification Scheme 2023. Collection method: clinical testing. Allele origin: germline.

Labcorp Genetics (formerly Invitae), Labcorp
Classification: Uncertain significance for Spondyloenchondrodysplasia with immune dysregulation. Last evaluated: 2021-08-30. Review status: criteria provided, single submitter. Criteria: Invitae Variant Classification Sherloc (09022015). Collection method: clinical testing. Allele origin: germline.